The following is an entry in ClinVar:

NM_000516.7(GNAS):c.308T>C (p.Ile103Thr)

Gene: GNAS (GNAS complex locus; plus strand). Cytogenetic location: 20q13.32.
Variant type: single nucleotide variant.
Coding change: c.308T>C on transcript NM_000516.7 (MANE Select); coding-DNA position 308, T replaced by C.
Protein change: p.Ile103Thr; replaces isoleucine 103 with threonine.
Molecular consequence: missense variant. On other transcripts: 3 prime UTR variant (2).
Genome position (GRCh38, 1-based): chr20:58,903,581, T>C. VCF-style: chr20-58903581-T-C. GRCh37 (hg19) VCF-style: chr20-57478636-T-C.
Other names: c.*214T>C (NM_016592.5); c.2237T>C, p.Ile746Thr (NM_080425.4); c.266T>C, p.Ile89Thr (NM_080426.4); c.311T>C, p.Ile104Thr (NM_001077488.5); c.263T>C, p.Ile88Thr (NM_001077489.4); c.*169T>C (NM_001077490.3); c.131T>C, p.Ile44Thr (NM_001309840.2, NM_001309861.2); c.212T>C, p.Ile71Thr (NM_001410912.1); and 2 more; short protein forms I103T, I89T, I731T, I104T, I71T, I88T, I44T, I746T.
Identifiers: ClinVar variation 2138359 (VCV002138359.9), dbSNP rs2146178784, ClinGen allele CA409450330.

ClinVar aggregate classification (germline): Pathogenic/Likely pathogenic. Review status: criteria provided, multiple submitters, no conflicts (2 of 4 stars). 5 submissions from 5 submitters: Pathogenic (3); Likely pathogenic (2). Last evaluated 2026-04-05.

Conditions:
Pseudopseudohypoparathyroidism (PPHP). Also called: ALBRIGHT HEREDITARY OSTEODYSTROPHY WITHOUT MULTIPLE HORMONE RESISTANCE; Pseudopseudohypoparathyroidism (PPHP). Identifiers: Orphanet 79445, MedGen C0033835, MONDO:0012912, OMIM 612463.
Pseudohypoparathyroidism type I A (PHP1A). Also called: ALBRIGHT HEREDITARY OSTEODYSTROPHY WITH MULTIPLE HORMONE RESISTANCE; PHP IA; Pseudohypoparathyroidism type 1A; Pseudohypoparathyroidism Type IA; Pseudohypoparathyroidism Ia (PHP-Ia). Identifiers: Orphanet 79443, MedGen C3494506, MONDO:0007078, OMIM 103580.
Inborn genetic diseases. Identifiers: MedGen C0950123, MeSH D030342.

Submissions (5):

GeneDx
Classification: Likely pathogenic. Last evaluated: 2026-04-05. Review status: criteria provided, single submitter. Criteria: GeneDx Variant Classification Process June 2021. Collection method: clinical testing. Allele origin: germline.
Comment: Not observed at significant frequency in large population cohorts (gnomAD); In silico analysis supports that this missense variant has a deleterious effect on protein structure/function; This variant is associated with the following publications: (PMID: 35296306, 10980525, 30420871, 30022773, 23281139, Lam2006[CaseReport], 28323910, 24651309, 11926205, Kutlu2019[CaseReport])

Ambry Genetics
Classification: Pathogenic for Inborn genetic diseases. Last evaluated: 2025-06-24. Review status: criteria provided, single submitter. Criteria: Ambry Variant Classification Scheme 2023. Collection method: clinical testing. Allele origin: germline.
Comment: The c.308T>C (p.I103T) alteration is located in exon 4 (coding exon 4) of the GNAS gene. This alteration results from a T to C substitution at nucleotide position 308, causing the isoleucine (I) at amino acid position 103 to be replaced by a threonine (T). ; however, its clinical significance for autosomal dominant McCune-Albright syndrome is uncertain. This variant was not reported in population-based cohorts in the Genome Aggregation Database (gnomAD). This variant was reported in individual(s) with features consistent with pseudohypoparathyroidism; in at least one individual, it was determined to be de novo (Aldred, 2000; Lim, 2002; Elli, 2013; Chang, 2022). This amino acid position is highly conserved in available vertebrate species. This missense alteration is located in a region that has a low rate of benign missense variation (Lek, 2016; Firth, 2009). This alteration is predicted to be deleterious by in silico analysis. Based on the available evidence, this alteration is classified as pathogenic.

Labcorp Genetics (formerly Invitae), Labcorp
Classification: Pathogenic. Last evaluated: 2025-01-06. Review status: criteria provided, single submitter. Criteria: Invitae Variant Classification Sherloc (09022015). Collection method: clinical testing. Allele origin: germline.
Comment: This sequence change replaces isoleucine, which is neutral and non-polar, with threonine, which is neutral and polar, at codon 103 of the GNAS protein (p.Ile103Thr). This variant is not present in population databases (gnomAD no frequency). This missense change has been observed in individual(s) with GNAS-related conditions (PMID: 10980525, 11926205, 23281139, 30022773, 35296306). In at least one individual the variant was observed to be de novo. This variant is also known as c.311T>C p.(Ile104Thr). ClinVar contains an entry for this variant (Variation ID: 2138359). Invitae Evidence Modeling of protein sequence and biophysical properties (such as structural, functional, and spatial information, amino acid conservation, physicochemical variation, residue mobility, and thermodynamic stability) indicates that this missense variant is expected to disrupt GNAS protein function with a positive predictive value of 80%. For these reasons, this variant has been classified as Pathogenic.

Laboratoire Génétique Moléculaire, CHRU TOURS
Classification: Likely pathogenic for Pseudopseudohypoparathyroidism. Last evaluated: 2023-03-31. Review status: criteria provided, single submitter. Criteria: ACMG Guidelines, 2015. Collection method: clinical testing. Allele origin: paternal. Affected: yes.
Comment: PM2;PM5;PP3;PP4

Victorian Clinical Genetics Services, Murdoch Childrens Research Institute
Classification: Pathogenic for Pseudohypoparathyroidism type I A. Last evaluated: 2022-02-02. Review status: criteria provided, single submitter. Criteria: ACMG Guidelines, 2015. Collection method: clinical testing. Allele origin: germline. Inheritance: Autosomal dominant inheritance. Affected: yes.
Comment: Based on the classification scheme VCGS_Germline_v1.3.4, this variant is classified as Pathogenic. Following criteria are met: 0103 - Loss of function and gain of function are known mechanisms of disease in this gene and are associated with hypoparathyroidism phenotypes (MIM#103580, 603233, 612462, 612463) and progressive osseous heteroplasia (MIM#166350); while gain-of-function has been reported for somatic variants. (PMID: 10980525, 11588148). (I) 0107 - This gene is associated with autosomal dominant disease. (I) 0113 - This gene is known to be imprinted. Maternal or paternal imprinting is transcript dependent (OMIM, PMID: 23884777). (I) 0115 - Variants in this gene are known to have variable expressivity (GeneReviews). (I) 0200 - Variant is predicted to result in a missense amino acid change from isoleucine to threonine. (I) 0219 - This variant is non-coding in an alternative transcript. However, it is coding in the most abundant and best described transcript, NM_000516, which is biallelically expressed in most tissues, except for tissues such as thyroid and renal where the maternal allele is expressed. It is also coding in transcripts that encode the G-alpha domain which contains a cluster of pathogenic variants commonly associated with PhP-Ia, Ic, PPHP and POH/OC (UCSC, DECIPHER, PMID: 25851935). In addition, it is also coding in NM_001077488, which is biallelically expressed, and in NM_080425, which is paternally expressed (NCBI, UCSC). (I) 0251 - This variant is heterozygous. (I) 0301 - Variant is absent from gnomAD (both v2 and v3). (SP) 0501 - Missense variant consistently predicted to be damaging by multiple in silico tools or highly conserved with a major amino acid change. (SP) 0600 - Variant is located in the annotated G-protein alpha subunit domain (DECIPHER). (I) 0705 - No comparable missense variants have previous evidence for pathogenicity. (I) 0801 - This variant has strong previous evidence of pathogenicity in unrelated individuals. This variant has been previously observed in five unrelated individuals with GNAS-related disorders (PMIDs: 10980525, 11926205, 23281139, 30420871). (SP) 1007 - No published functional evidence has been identified for this variant. (SP) Legend: (SP) - Supporting pathogenic, (I) - Information, (SB) - Supporting benign

Literature cited by the submitters: PubMed 10980525 (cited by 3 submitters); PubMed 11926205 (cited by 3 submitters); PubMed 23281139 (cited by 3 submitters); PubMed 35296306 (cited by Ambry Genetics and Labcorp Genetics (formerly Invitae), Labcorp); PubMed 30022773 (cited by Labcorp Genetics (formerly Invitae), Labcorp); PubMed 11588148 (cited by Victorian Clinical Genetics Services, Murdoch Childrens Research Institute); PubMed 23884777 (cited by Victorian Clinical Genetics Services, Murdoch Childrens Research Institute); PubMed 25851935 (cited by Victorian Clinical Genetics Services, Murdoch Childrens Research Institute); PubMed 30420871 (cited by Victorian Clinical Genetics Services, Murdoch Childrens Research Institute).